The following is an entry in ClinVar:

NM_001429.4(EP300):c.4532A>T (p.Asn1511Ile)

Gene: EP300 (EP300 lysine acetyltransferase; plus strand). Cytogenetic location: 22q13.2.
Variant type: single nucleotide variant.
Coding change: c.4532A>T on transcript NM_001429.4 (MANE Select); coding-DNA position 4532, A replaced by T.
Protein change: p.Asn1511Ile; replaces asparagine 1511 with isoleucine.
Molecular consequence: missense variant.
Genome position (GRCh38, 1-based): chr22:41,172,578, A>T. VCF-style: chr22-41172578-A-T. GRCh37 (hg19) VCF-style: chr22-41568582-A-T.
Other names: c.4454A>T, p.Asn1485Ile (NM_001362843.2); short protein forms N1485I, N1511I.
Identifiers: ClinVar variation 1712292 (VCV001712292.1), dbSNP rs763860567, ClinGen allele CA411703011.

ClinVar aggregate classification (germline): Uncertain significance (1 of 4 stars; one submission).

Conditions:
Rubinstein-Taybi syndrome due to EP300 haploinsufficiency. Also called: RUBINSTEIN-TAYBI SYNDROME 2; EP300-Related Rubinstein-Taybi Syndrome. Identifiers: Orphanet 353284, Orphanet 783, MedGen C3150941, MONDO:0013364, OMIM 613684.

Submission:

UNC Molecular Genetics  Laboratory, University of North Carolina at Chapel Hill
Classification: Uncertain significance for Rubinstein-Taybi syndrome due to EP300 haploinsufficiency. Last evaluated: 2021-07-20. Review status: criteria provided, single submitter. Criteria: ACMG Guidelines, 2015. Collection method: research. Allele origin: unknown. Observed: 1 variant allele. Study: CSER_NCGENES_2.
Comment: EP300 c.4532A>T p.(Asn1511Ile) in exon 28 is predicted to change a single amino acid in the encoded protein from an asparagine to isoleucine. This variant is absent from gnomAD. To our knowledge, this variant has not been previously reported in affected individuals in the literature. The predicted amino acid change alters a residue in the histone acetyltransferase (HAT) domain, where pathogenic missense variants were previously reported (PMID 33043588). Multiple in silico tools predict this variant to have a damaging effect on protein function. In the absence of additional clinical or functional evidence, this variant is classified a variant of uncertain significance.